The following is an entry in ClinVar:

NM_000127.3(EXT1):c.2062C>T (p.Arg688Trp)

Gene: EXT1 (exostosin glycosyltransferase 1; minus strand). Cytogenetic location: 8q24.11.
Variant type: single nucleotide variant.
Coding change: c.2062C>T on transcript NM_000127.3 (MANE Select); coding-DNA position 2062, C replaced by T.
Protein change: p.Arg688Trp; replaces arginine 688 with tryptophan.
Molecular consequence: missense variant.
Genome position (GRCh38, 1-based): chr8:117,799,891, G>A on the plus strand (C>T on the coding strand, the complement: EXT1 is on the minus strand). VCF-style: chr8-117799891-G-A. GRCh37 (hg19) VCF-style: chr8-118812130-G-A.
Other names: c.2062C>T (NM_000127.2); short protein forms R688W.
Identifiers: ClinVar variation 1548975 (VCV001548975.12), dbSNP rs138855109, ClinGen allele CA4853949.

ClinVar aggregate classification (germline): Conflicting classifications of pathogenicity. Review status: criteria provided, conflicting classifications (1 of 4 stars). 4 submissions from 4 submitters: Likely pathogenic (1); Uncertain significance (1); Likely benign (1). 1 of the submissions does not count toward it. Last evaluated 2025-06-14.

Conditions:
Multiple congenital exostosis (EXT). Also called: Hereditary multiple exostoses; Hereditary multiple exostosis; Hereditary multiple osteochondromas; Multiple exostoses; Multiple osteochondromas; MULTIPLE CARTILAGINOUS EXOSTOSES. Identifiers: Orphanet 321, MedGen C0015306, MONDO:0005508, HP:0002762.
Exostoses, multiple, type 1 (EXT1). Also called: Hereditary Multiple Osteochondromatosis, Type I; EXOSTOSES, MULTIPLE, TYPE I. Identifiers: MedGen CN263289, MONDO:0007585, OMIM 133700.
Ovarian cancer. Also called: OVARIAN CANCER, SOMATIC. Identifiers: Orphanet 213500, MedGen C1140680, MONDO:0008170, OMIM 167000.
EXT1-related disorder. Also called: EXT1-related condition.

Allele frequency attached by ClinVar (database versions not stated): ExAC 0.00005; gnomAD 0.00005; TOPMed 0.00005; ESP Exome Variant Server 0.00008; gnomAD exomes 0.00009 and 0.00017.

Submissions (4):

Labcorp Genetics (formerly Invitae), Labcorp
Classification: Likely benign for Multiple congenital exostosis. Last evaluated: 2025-06-14. Review status: criteria provided, single submitter. Criteria: Invitae Variant Classification Sherloc (09022015). Collection method: clinical testing. Allele origin: germline.

St. Jude Molecular Pathology, St. Jude Children's Research Hospital
Classification: Uncertain significance for Exostoses, multiple, type 1. Last evaluated: 2024-07-16. Review status: criteria provided, single submitter. Criteria: St. Jude Assertion Criteria 2020. Collection method: clinical testing. Allele origin: germline.
Comment: The EXT1 c.2062C>T (p.Arg688Trp) missense change has a maximum subpopulation frequency of 0.05% in gnomAD v2.1.1. The in silico tool REVEL is inconclusive about a pathogenic or benign effect of this variant on protein function, and functional studies have not been performed. This variant has not been reported in individuals with hereditary multiple exostoses. In summary, the evidence currently available is insufficient to determine the clinical significance of this variant. It has therefore been classified as of uncertain significance.?

Laboratory of Molecular Epidemiology of Birth Defects, West China Second University Hospital, Sichuan University
Classification: Likely pathogenic for Ovarian cancer. Last evaluated: 2022-01-01. Review status: criteria provided, single submitter. Criteria: ACMG Guidelines, 2015. Collection method: clinical testing. Allele origin: germline. Affected: yes.

PreventionGenetics, part of Exact Sciences
Classification: Uncertain significance for EXT1-related condition. Last evaluated: 2024-03-05. Review status: no assertion criteria provided. Collection method: clinical testing. Allele origin: germline. Not counted in ClinVar's aggregate classification.
Comment: The EXT1 c.2062C>T variant is predicted to result in the amino acid substitution p.Arg688Trp. To our knowledge, this variant has not been reported in the literature. This variant is reported in 0.050% of alleles in individuals of East Asian descent in gnomAD and is reported in ClinVar with conflicting interpretations of likely pathogenic and likely benign. Although we suspect that this variant may be benign, at this time, the clinical significance of this variant is uncertain due to the absence of conclusive functional and genetic evidence.